The following is an entry in ClinVar:

NM_006348.5(COG5):c.976A>G (p.Lys326Glu)

Gene: COG5 (component of oligomeric golgi complex 5; minus strand). Cytogenetic location: 7q22.3.
Variant type: single nucleotide variant.
Coding change: c.976A>G on transcript NM_006348.5 (MANE Select); coding-DNA position 976, A replaced by G.
Protein change: p.Lys326Glu; replaces lysine 326 with glutamic acid.
Molecular consequence: missense variant. On other transcripts: intron variant (1).
Genome position (GRCh38, 1-based): chr7:107,362,083, T>C on the plus strand (A>G on the coding strand, the complement: COG5 is on the minus strand). VCF-style: chr7-107362083-T-C. GRCh37 (hg19) VCF-style: chr7-107002528-T-C.
Other names: c.976A>G, p.Lys326Glu (NM_001161520.2, NM_001379511.1, NM_001379512.1 and 3 more transcripts); c.262A>G, p.Lys88Glu (NM_001379516.1); c.539-63737A>G (NM_001379515.1); short protein forms K88E, K326E.
Identifiers: ClinVar variation 1483386 (VCV001483386.8), dbSNP rs988845762, ClinGen allele CA164702813.

ClinVar aggregate classification (germline): Uncertain significance (1 of 4 stars; one submission).

Conditions:
COG5-congenital disorder of glycosylation. Also called: COG5-CDG; CDG IIi; CONGENITAL DISORDER OF GLYCOSYLATION, TYPE IIi. Identifiers: Orphanet 263487, MedGen C3150876, MONDO:0013325, OMIM 613612.

Allele frequency attached by ClinVar (database versions not stated): TOPMed below 0.00001; gnomAD 0.00001.

Submission:

Labcorp Genetics (formerly Invitae), Labcorp
Classification: Uncertain significance for COG5-congenital disorder of glycosylation. Last evaluated: 2021-06-28. Review status: criteria provided, single submitter. Criteria: Invitae Variant Classification Sherloc (09022015). Collection method: clinical testing. Allele origin: germline.
Comment: This variant is not present in population databases (ExAC no frequency). This variant has not been reported in the literature in individuals affected with COG5-related conditions. Algorithms developed to predict the effect of missense changes on protein structure and function are either unavailable or do not agree on the potential impact of this missense change (SIFT: "Deleterious"; PolyPhen-2: "Possibly Damaging"; Align-GVGD: "Class C0"). In summary, the available evidence is currently insufficient to determine the role of this variant in disease. Therefore, it has been classified as a Variant of Uncertain Significance. This sequence change replaces lysine with glutamic acid at codon 357 of the COG5 protein (p.Lys357Glu). The lysine residue is highly conserved and there is a small physicochemical difference between lysine and glutamic acid.